The following is an entry in ClinVar:

ClinVar aggregate classification (germline): Uncertain significance (1 of 4 stars; one submission).

Conditions:
Inborn genetic diseases. Identifiers: MedGen C0950123, MeSH D030342.

gnomAD v4.1: 7 of 1,613,946 alleles (0.00043%); highest among the groups gnomAD compares: Non-Finnish European, 0.00051%; no homozygotes.

Submission:

Ambry Genetics
Classification: Uncertain significance for Inborn genetic diseases. Last evaluated: 2025-10-19. Review status: criteria provided, single submitter. Criteria: Ambry Variant Classification Scheme 2023. Collection method: clinical testing. Allele origin: germline.
Comment: The p.P64T variant (also known as c.190C>A), located in coding exon 1 of the SAMD9L gene, results from a C to A substitution at nucleotide position 190. The proline at codon 64 is replaced by threonine, an amino acid with highly similar properties. This amino acid position is conserved. In addition, this alteration is predicted to be tolerated by in silico analysis. Based on the available evidence, the clinical significance of this variant remains unclear.

NM_152703.5(SAMD9L):c.190C>A (p.Pro64Thr)

Gene: SAMD9L (sterile alpha motif domain containing 9 like; minus strand). Cytogenetic location: 7q21.2.
Variant type: single nucleotide variant.
Coding change: c.190C>A on transcript NM_152703.5 (MANE Select); coding-DNA position 190, C replaced by A.
Protein change: p.Pro64Thr; replaces proline 64 with threonine.
Molecular consequence: missense variant.
Genome position (GRCh38, 1-based): chr7:93,135,782, G>T on the plus strand (C>A on the coding strand, the complement: SAMD9L is on the minus strand). VCF-style: chr7-93135782-G-T. GRCh37 (hg19) VCF-style: chr7-92765095-G-T.
Other names: c.190C>A, p.Pro64Thr (NM_001303496.3, NM_001303497.3, NM_001303498.3 and 5 more transcripts); short protein forms P64T.
Identifiers: ClinVar variation 4630067 (VCV004630067.1).